The following is an entry in ClinVar:

ClinVar aggregate classification (germline): Pathogenic/Likely pathogenic. Review status: criteria provided, multiple submitters, no conflicts (2 of 4 stars). 2 submissions from 2 submitters: Pathogenic (1); Likely pathogenic (1). Last evaluated 2022-05-01.

Conditions:
Tumor predisposition syndrome 3 (TPDS3). Also called: Melanoma, cutaneous malignant, susceptibility to, 10; Glioma susceptibility 9; LONG TELOMERE SYNDROME, POT1-RELATED; POT1 Tumor Predisposition. Identifiers: Orphanet 618, MedGen C4014476, MONDO:0014368, OMIM 615848.

Submissions (2):

CeGaT Center for Human Genetics Tuebingen
Classification: Likely pathogenic. Last evaluated: 2022-05-01. Review status: criteria provided, single submitter. Criteria: CeGaT Center For Human Genetics Tuebingen Variant Classification Criteria Version 2. Collection method: clinical testing. Allele origin: germline. Affected: yes. Observed: 1 variant allele.
Comment: POT1: PVS1:Strong, PM2

Labcorp Genetics (formerly Invitae), Labcorp
Classification: Pathogenic for Tumor predisposition syndrome 3. Last evaluated: 2021-07-29. Review status: criteria provided, single submitter. Criteria: Invitae Variant Classification Sherloc (09022015). Collection method: clinical testing. Allele origin: germline.
Comment: This variant is not present in population databases (ExAC no frequency). This sequence change creates a premature translational stop signal (p.Asn54Lysfs*10) in the POT1 gene. It is expected to result in an absent or disrupted protein product. Loss-of-function variants in POT1 are known to be pathogenic (PMID: 32155570). For these reasons, this variant has been classified as Pathogenic. ClinVar contains an entry for this variant (Variation ID: 541873). This variant has not been reported in the literature in individuals affected with POT1-related conditions.

Literature cited by the submitters: PubMed 32155570 (cited by Labcorp Genetics (formerly Invitae), Labcorp).

NM_015450.3(POT1):c.161dup (p.Asn54fs)

Gene: POT1 (protection of telomeres 1; minus strand). Cytogenetic location: 7q31.33.
Variant type: Duplication.
Coding change: c.161dup on transcript NM_015450.3 (MANE Select); coding-DNA position 161, one base duplicated (A; older notation c.161dupA).
Protein change: p.Asn54fs; shifts the reading frame from asparagine 54.
Molecular consequence: frameshift variant. On other transcripts: non-coding transcript variant (3), intron variant (1).
Genome position (GRCh38, 1-based): chr7:124,871,005, T duplicated on the plus strand (A on the coding strand, the reverse complement: POT1 is on the minus strand); the first of 3 consecutive T bases (chr7:124,871,005-124,871,007); duplicating any one gives the same sequence. VCF-style (leftmost placement, unchanged base first): chr7-124871004-A-AT. GRCh37 (hg19) VCF-style: chr7-124511058-A-AT.
Other names: c.-138-7365dup (NM_001042594.2); c.161dupA (NM_015450.2); short protein forms N54fs.
Identifiers: ClinVar variation 541873 (VCV000541873.37), dbSNP rs1554429205, ClinGen allele CA658797003.
Genomic context (GRCh38, chr7:124,871,004, plus strand): 5'-TTTATAAATTATTGGAAGGGCTTCATAGTTTCCACTAAAGAGCAGGCAAGTTAGTTTTAC[A>AT]TTTGTCTGGTCCACAATAGTTACAACTGAGCAATAATCTGGAAAACACAAAAATATTTTA-3'